The following is an entry in ClinVar:

NM_002386.4(MC1R):c.294CCT[1] (p.Leu101del)

Gene: MC1R (melanocortin 1 receptor; plus strand). Cytogenetic location: 16q24.3.
Variant type: Microsatellite.
Coding change: c.294CCT[1] on transcript NM_002386.4 (MANE Select); one copy of the 3-base unit CCT starting at c.294; the reference has two copies in a row; one copy, 3 bases deleted.
Protein change: p.Leu101del; deletes leucine 101.
Molecular consequence: inframe deletion.
Genome position (GRCh38, 1-based): chr16:89,919,555-89,919,557, CCT deleted; deleting any 3 consecutive bases within chr16:89,919,551-89,919,557 gives the same sequence; the position shown is the placement nearest the transcript's 3' end. VCF-style (leftmost placement, unchanged base first): chr16-89919550-ATCC-A. GRCh37 (hg19) VCF-style: chr16-89985958-ATCC-A.
Other names: short protein forms L101del.
Identifiers: ClinVar variation 1401056 (VCV001401056.8), dbSNP rs754573808, ClinGen allele CA8255549.
Genomic context (GRCh38, chr16:89,919,550, plus strand): 5'-TGCTGCCTGGCCTTGTCGGACCTGCTGGTGAGCGGGAGCAACGTGCTGGAGACGGCCGTC[ATCC>A]TCCTGCTGGAGGCCGGTGCACTGGTGGCCCGGGCTGCGGTGCTGCAGCAGCTGGACAATG-3'

ClinVar aggregate classification (germline): Uncertain significance (1 of 4 stars; one submission).

Conditions:
Melanoma, cutaneous malignant, susceptibility to, 5. Also called: Cutaneous malignant melanoma 5. Identifiers: Orphanet 618, MedGen C2751295, MONDO:0013133, OMIM 613099.

Submission:

Labcorp Genetics (formerly Invitae), Labcorp
Classification: Uncertain significance for Melanoma, cutaneous malignant, susceptibility to, 5. Last evaluated: 2025-02-17. Review status: criteria provided, single submitter. Criteria: Invitae Variant Classification Sherloc (09022015). Collection method: clinical testing. Allele origin: germline.
Comment: This variant, c.297_299del, results in the deletion of 1 amino acid(s) of the MC1R protein (p.Leu101del), but otherwise preserves the integrity of the reading frame. This variant is present in population databases (rs754573808, gnomAD 0.04%). This variant has not been reported in the literature in individuals affected with MC1R-related conditions. Experimental studies and prediction algorithms are not available or were not evaluated, and the functional significance of this variant is currently unknown. In summary, the available evidence is currently insufficient to determine the role of this variant in disease. Therefore, it has been classified as a Variant of Uncertain Significance.